The following is an entry in ClinVar:

ClinVar aggregate classification (germline): Benign. Review status: criteria provided, multiple submitters, no conflicts (2 of 4 stars). 2 submissions from 2 submitters: Benign (2). Last evaluated 2020-07-15.

Allele frequency attached by ClinVar (database versions not stated): ExAC 0.26265; ESP Exome Variant Server 0.28487; gnomAD 0.30351 and 0.30676; TOPMed 0.31648; 1000 Genomes Project 0.33926; 1000 Genomes Project 30x 0.34541.
gnomAD v4.1: 374,633 of 1,613,600 alleles (23%); highest among the groups gnomAD compares: African/African-American, 46%; 46,967 homozygotes.

Submissions (2):

GeneDx
Classification: Benign. Last evaluated: 2020-07-15. Review status: criteria provided, single submitter. Criteria: GeneDx Variant Classification Process June 2021. Collection method: clinical testing. Allele origin: germline. Affected: yes.
Comment: This variant is associated with the following publications: (PMID: 19766477)

Breakthrough Genomics
Classification: Benign. Review status: criteria provided, single submitter. Criteria: ACMG Guidelines, 2015. Collection method: not provided. Allele origin: germline. Inheritance: Unknown mechanism. Affected: yes.

NM_007110.5(TEP1):c.7458C>G (p.Ile2486Met)

Gene: TEP1 (telomerase associated protein 1; minus strand). Cytogenetic location: 14q11.2.
Variant type: single nucleotide variant.
Coding change: c.7458C>G on transcript NM_007110.5 (MANE Select); coding-DNA position 7458, C replaced by G.
Protein change: p.Ile2486Met; replaces isoleucine 2486 with methionine.
Molecular consequence: missense variant.
Genome position (GRCh38, 1-based): chr14:20,369,542, G>C on the plus strand (C>G on the coding strand, the complement: TEP1 is on the minus strand). VCF-style: chr14-20369542-G-C. GRCh37 (hg19) VCF-style: chr14-20837701-G-C.
Other names: c.7134C>G, p.Ile2378Met (NM_001319035.2); short protein forms I2378M, I2486M.
Identifiers: ClinVar variation 1232563 (VCV001232563.4), dbSNP rs938886, ClinGen allele CA7078298.